The following is an entry in ClinVar:

NM_000234.3(LIG1):c.1052A>C (p.Asp351Ala)

Gene: LIG1 (DNA ligase 1; minus strand). Cytogenetic location: 19q13.33.
Variant type: single nucleotide variant.
Coding change: c.1052A>C on transcript NM_000234.3 (MANE Select); coding-DNA position 1052, A replaced by C.
Protein change: p.Asp351Ala; replaces aspartic acid 351 with alanine.
Molecular consequence: missense variant. On other transcripts: non-coding transcript variant (6).
Genome position (GRCh38, 1-based): chr19:48,140,006, T>G on the plus strand (A>C on the coding strand, the complement: LIG1 is on the minus strand). VCF-style: chr19-48140006-T-G. GRCh37 (hg19) VCF-style: chr19-48643263-T-G.
Other names: c.959A>C, p.Asp320Ala (NM_001289063.2); c.848A>C, p.Asp283Ala (NM_001289064.2); c.1049A>C, p.Asp350Ala (NM_001320970.2); c.962A>C, p.Asp321Ala (NM_001320971.2); c.1052A>C (NM_000234.1); short protein forms D350A, D321A, D283A, D320A, D351A.
Identifiers: ClinVar variation 1045036 (VCV001045036.4), dbSNP rs751593877, ClinGen allele CA9547005.
Genomic context (GRCh38, chr19:48,140,006, plus strand): 5'-TCCCTCCAACCACAGTCCCCCTTACCTGTGGCCTGGGCCACTGCCTTGAGAAGGACACCA[T>G]CACCCACGCCAAGCTCCAGGCCCTGCTGGGGTGGCCCAAGGTGGTTGAGGCTGAGGTAGA-3'
Protein context (NP_000225.1, residues 341-361): PQQGLELGVG[Asp351Ala]GVLLKAVAQA

ClinVar aggregate classification (germline): Uncertain significance. Review status: criteria provided, multiple submitters, no conflicts (2 of 4 stars). 2 submissions from 2 submitters: Uncertain significance (2). Last evaluated 2022-06-13.

Allele frequency attached by ClinVar (database versions not stated): gnomAD exomes 0.00001 and 0.00002; TOPMed 0.00001; ExAC 0.00002.

Submissions (2):

Labcorp Genetics (formerly Invitae), Labcorp
Classification: Uncertain significance. Last evaluated: 2022-06-13. Review status: criteria provided, single submitter. Criteria: Invitae Variant Classification Sherloc (09022015). Collection method: clinical testing. Allele origin: germline.
Comment: This sequence change replaces aspartic acid, which is acidic and polar, with alanine, which is neutral and non-polar, at codon 351 of the LIG1 protein (p.Asp351Ala). This variant is present in population databases (rs751593877, gnomAD 0.009%). This variant has not been reported in the literature in individuals affected with LIG1-related conditions. ClinVar contains an entry for this variant (Variation ID: 1045036). Algorithms developed to predict the effect of missense changes on protein structure and function are either unavailable or do not agree on the potential impact of this missense change (SIFT: "Deleterious"; PolyPhen-2: "Benign"; Align-GVGD: "Class C25"). In summary, the available evidence is currently insufficient to determine the role of this variant in disease. Therefore, it has been classified as a Variant of Uncertain Significance.

Ambry Genetics
Classification: Uncertain significance. Last evaluated: 2022-01-26. Review status: criteria provided, single submitter. Criteria: Ambry Variant Classification Scheme 2023. Collection method: clinical testing. Allele origin: germline.